The following is an entry in ClinVar:

ClinVar aggregate classification (germline): Uncertain significance (1 of 4 stars; one submission).

Submission:

Labcorp Genetics (formerly Invitae), Labcorp
Classification: Uncertain significance. Last evaluated: 2022-04-09. Review status: criteria provided, single submitter. Criteria: Invitae Variant Classification Sherloc (09022015). Collection method: clinical testing. Allele origin: germline.
Comment: In summary, the available evidence is currently insufficient to determine the role of this variant in disease. Therefore, it has been classified as a Variant of Uncertain Significance. Algorithms developed to predict the effect of missense changes on protein structure and function are either unavailable or do not agree on the potential impact of this missense change (SIFT: "Deleterious"; PolyPhen-2: "Benign"; Align-GVGD: "Class C0"). This variant has not been reported in the literature in individuals affected with CTNNA1-related conditions. This variant is not present in population databases (gnomAD no frequency). This sequence change replaces threonine, which is neutral and polar, with alanine, which is neutral and non-polar, at codon 541 of the CTNNA1 protein (p.Thr541Ala).

NM_001903.5(CTNNA1):c.1621A>G (p.Thr541Ala)

Gene: CTNNA1 (catenin alpha 1; plus strand). Cytogenetic location: 5q31.2.
Variant type: single nucleotide variant.
Coding change: c.1621A>G on transcript NM_001903.5 (MANE Select); coding-DNA position 1621, A replaced by G.
Protein change: p.Thr541Ala; replaces threonine 541 with alanine.
Molecular consequence: missense variant.
Genome position (GRCh38, 1-based): chr5:138,924,584, A>G. VCF-style: chr5-138924584-A-G. GRCh37 (hg19) VCF-style: chr5-138260273-A-G.
Other names: c.1621A>G, p.Thr541Ala (NM_001290307.3, NM_001323982.2, NM_001323983.1 and 2 more transcripts); c.1312A>G, p.Thr438Ala (NM_001290309.3); c.1252A>G, p.Thr418Ala (NM_001290310.3); c.511A>G, p.Thr171Ala (NM_001290312.1, NM_001323987.1, NM_001323988.1 and 17 more transcripts); c.1528A>G, p.Thr510Ala (NM_001323986.2); c.172A>G, p.Thr58Ala (NM_001324006.1, NM_001324007.1, NM_001324008.1 and 2 more transcripts); c.418A>G, p.Thr140Ala (NM_001324011.1); c.268A>G, p.Thr90Ala (NM_001324012.1, NM_001324013.1); short protein forms T171A, T418A, T438A, T510A, T58A, T90A, T140A, T541A.
Identifiers: ClinVar variation 2123410 (VCV002123410.4), dbSNP rs1763606109, ClinGen allele CA361131841.
Genomic context (GRCh38, chr5:138,924,584, plus strand): 5'-GAAGATGTGAACAAATGTGTCATTGCTCTCCAAGAGAAGGATGTGGATGGCCTGGACCGC[A>G]CAGCTGGTGCAATTCGAGGCCGGGCAGCCCGGGTCATTCACGTAGTCACCTCAGAGATGG-3'
Protein context (NP_001894.2, residues 531-551): QEKDVDGLDR[Thr541Ala]AGAIRGRAAR